The following is an entry in ClinVar:

ClinVar aggregate classification (germline): Uncertain significance (1 of 4 stars; one submission).

Conditions:
Hereditary cancer-predisposing syndrome. Also called: Tumor predisposition; Neoplastic Syndromes, Hereditary; Hereditary Cancer Syndrome; Hereditary neoplastic syndrome. Identifiers: Orphanet 140162, MedGen C0027672, MeSH D009386, MONDO:0015356.

Submission:

Ambry Genetics
Classification: Uncertain significance for Hereditary cancer-predisposing syndrome. Last evaluated: 2024-07-05. Review status: criteria provided, single submitter. Criteria: Ambry Variant Classification Scheme 2023. Collection method: clinical testing. Allele origin: germline.
Comment: The p.V2377L variant (also known as c.7129G>C), located in coding exon 13 of the BRCA2 gene, results from a G to C substitution at nucleotide position 7129. The valine at codon 2377 is replaced by leucine, an amino acid with highly similar properties. This amino acid position is conserved. In addition, this alteration is predicted to be tolerated by in silico analysis. Based on the available evidence, the clinical significance of this variant remains unclear.

NM_000059.4(BRCA2):c.7129G>C (p.Val2377Leu)

Gene: BRCA2 (BRCA2 DNA repair associated; plus strand). Cytogenetic location: 13q13.1.
Variant type: single nucleotide variant.
Coding change: c.7129G>C on transcript NM_000059.4 (MANE Select); coding-DNA position 7129, G replaced by C.
Protein change: p.Val2377Leu; replaces valine 2377 with leucine.
Molecular consequence: missense variant. On other transcripts: non-coding transcript variant (1).
Genome position (GRCh38, 1-based): chr13:32,354,982, G>C. VCF-style: chr13-32354982-G-C. GRCh37 (hg19) VCF-style: chr13-32929119-G-C.
Other names: c.7033G>C, p.Val2345Leu (NM_001406719.1); c.7129G>C, p.Val2377Leu (NM_001406720.1, NM_001432077.1); c.2197G>C, p.Val733Leu (NM_001406721.1); c.712G>C, p.Val238Leu (NM_001406722.1); short protein forms V2377L, V733L, V2345L, V238L.
Identifiers: ClinVar variation 3482015 (VCV003482015.1).
Genomic context (GRCh38, chr13:32,354,982, plus strand): 5'-CTGTCTAAATCTCATTTGTATGAACATCTGACTTTGGAAAAATCTTCAAGCAATTTAGCA[G>C]TTTCAGGACATCCATTTTATCAAGTTTCTGCTACAAGAAATGAAAAAATGAGACACTTGA-3'
Protein context (NP_000050.3, residues 2367-2387): TLEKSSSNLA[Val2377Leu]SGHPFYQVSA